The following is an entry in ClinVar:

ClinVar aggregate classification (germline): Benign (1 of 4 stars; one submission).

Conditions:
Glycogen storage disease, type II (IOPD). Also called: Pompe Disease; CARDIOMEGALIA GLYCOGENICA DIFFUSA; GLYCOGENOSIS, GENERALIZED, CARDIAC FORM; GSD II; POMPE DISEASE, INFANTILE-ONSET; GLYCOGEN STORAGE DISEASE II, INFANTILE-ONSET. Identifiers: Orphanet 365, MedGen C0017921, MONDO:0009290, OMIM 232300.

gnomAD v4.1: 99,661 of 152,142 alleles (66%); highest among the groups gnomAD compares: Middle Eastern, 85%; 33,491 homozygotes.

Submission:

Genomenon, Inc
Classification: Benign for Glycogen storage disease, type II. Last evaluated: 2026-07-01. Review status: criteria provided, single submitter. Criteria: Genomenon Sequence Variant Interpretation Standards - Updated. Collection method: curation. Allele origin: germline. Affected: no.
Comment: GAA c.692+751T>C is an intronic variant located in intron 3. This variant is present at high allele frequency in population databases. We classify GAA c.692+751T>C as a benign variant.

NM_000152.5(GAA):c.692+751T>C

Gene: GAA (alpha glucosidase; plus strand). Cytogenetic location: 17q25.3.
Variant type: single nucleotide variant.
Coding change: c.692+751T>C on transcript NM_000152.5 (MANE Select); 751 bases into the intron after coding-DNA position 692, T replaced by C.
Molecular consequence: intron variant.
Genome position (GRCh38, 1-based): chr17:80,106,645, T>C. VCF-style: chr17-80106645-T-C. GRCh37 (hg19) VCF-style: chr17-78080444-T-C.
Other names: c.692+751T>C (NM_001406741.1, NM_001406742.1, NM_001079803.3 and 1 more transcripts).
Identifiers: ClinVar variation 4876412 (VCV004876412.1).